The following is an entry in ClinVar:

NM_000179.3(MSH6):c.632G>A (p.Gly211Asp)

Gene: MSH6 (mutS homolog 6; plus strand). Cytogenetic location: 2p16.3.
Variant type: single nucleotide variant.
Coding change: c.632G>A on transcript NM_000179.3 (MANE Select); coding-DNA position 632, G replaced by A.
Protein change: p.Gly211Asp; replaces glycine 211 with aspartic acid.
Molecular consequence: missense variant. On other transcripts: 5 prime UTR variant (2).
Genome position (GRCh38, 1-based): chr2:47,798,615, G>A. VCF-style: chr2-47798615-G-A. GRCh37 (hg19) VCF-style: chr2-48025754-G-A.
Other names: c.242G>A, p.Gly81Asp (NM_001281492.2); c.-275G>A (NM_001281493.2, NM_001281494.2); short protein forms G81D, G211D.
Identifiers: ClinVar variation 1390644 (VCV001390644.8), dbSNP rs2104287413, ClinGen allele CA346739215.

ClinVar aggregate classification (germline): Uncertain significance. Review status: criteria provided, multiple submitters, no conflicts (2 of 4 stars). 2 submissions from 2 submitters: Uncertain significance (2). Last evaluated 2021-11-01.

Conditions:
Hereditary nonpolyposis colorectal neoplasms. Identifiers: MedGen C0009405, MeSH D003123.
Hereditary cancer-predisposing syndrome. Also called: Neoplastic Syndromes, Hereditary; Tumor predisposition; Hereditary neoplastic syndrome; Hereditary Cancer Syndrome. Identifiers: Orphanet 140162, MedGen C0027672, MeSH D009386, MONDO:0015356.

Allele frequency attached by ClinVar (database versions not stated): gnomAD exomes below 0.00001.

Submissions (2):

Labcorp Genetics (formerly Invitae), Labcorp
Classification: Uncertain significance for Hereditary nonpolyposis colorectal neoplasms. Last evaluated: 2021-11-01. Review status: criteria provided, single submitter. Criteria: Invitae Variant Classification Sherloc (09022015). Collection method: clinical testing. Allele origin: germline.
Comment: This sequence change replaces glycine, which is neutral and non-polar, with aspartic acid, which is acidic and polar, at codon 211 of the MSH6 protein (p.Gly211Asp). This variant is not present in population databases (gnomAD no frequency). This variant has not been reported in the literature in individuals affected with MSH6-related conditions. Advanced modeling of protein sequence and biophysical properties (such as structural, functional, and spatial information, amino acid conservation, physicochemical variation, residue mobility, and thermodynamic stability) performed at Invitae indicates that this missense variant is not expected to disrupt MSH6 protein function. In summary, the available evidence is currently insufficient to determine the role of this variant in disease. Therefore, it has been classified as a Variant of Uncertain Significance.

Ambry Genetics
Classification: Uncertain significance for Hereditary cancer-predisposing syndrome. Last evaluated: 2021-03-22. Review status: criteria provided, single submitter. Criteria: Ambry Variant Classification Scheme 2023. Collection method: clinical testing. Allele origin: germline.
Comment: The p.G211D variant (also known as c.632G>A), located in coding exon 4 of the MSH6 gene, results from a G to A substitution at nucleotide position 632. The glycine at codon 211 is replaced by aspartic acid, an amino acid with similar properties. This amino acid position is poorly conserved in available vertebrate species. In addition, this alteration is predicted to be tolerated by in silico analysis. Since supporting evidence is limited at this time, the clinical significance of this alteration remains unclear.